The following is an entry in ClinVar:

NM_000317.3(PTS):c.243+2T>C

Gene: PTS (6-pyruvoyltetrahydropterin synthase; plus strand). Cytogenetic location: 11q23.1.
Variant type: single nucleotide variant.
Coding change: c.243+2T>C on transcript NM_000317.3 (MANE Select); the canonical splice donor site of the intron after coding-DNA position 243, T replaced by C.
Molecular consequence: splice donor variant.
Genome position (GRCh38, 1-based): chr11:112,230,684, T>C. VCF-style: chr11-112230684-T-C. GRCh37 (hg19) VCF-style: chr11-112101407-T-C.
Identifiers: ClinVar variation 1494809 (VCV001494809.6), dbSNP rs759363496, ClinGen allele CA6278535.

ClinVar aggregate classification (germline): Likely pathogenic (1 of 4 stars; one submission).

Conditions:
6-Pyruvoyl-tetrahydrobiopterin synthase deficiency. Also called: Hyperphenylalanemia, BH4-deficient, A; Hyperphenylalaninemia due to 6-pyruvoyl-tetrahydropterin synthase deficiency; 6-Pyruvoyltetrahydropterin Synthase Deficiency; HYPERPHENYLALANINEMIA, TETRAHYDROBIOPTERIN-DEFICIENT, DUE TO PTS DEFICIENCY; BH4-deficient hyperphenylalaninemia A; PTS-Related Tetrahydrobiopterin Deficiency. Identifiers: Orphanet 13, Orphanet 238583, MedGen C0878676, MONDO:0009863, OMIM 261640.

Allele frequency attached by ClinVar (database versions not stated): ExAC 0.00001; gnomAD exomes 0.00001.
gnomAD v4.1: 6 of 1,607,166 alleles (0.00037%); highest among the groups gnomAD compares: Non-Finnish European, 0.00043%; no homozygotes.

Submission:

Labcorp Genetics (formerly Invitae), Labcorp
Classification: Likely pathogenic for 6-Pyruvoyl-tetrahydrobiopterin synthase deficiency. Last evaluated: 2021-08-05. Review status: criteria provided, single submitter. Criteria: Invitae Variant Classification Sherloc (09022015). Collection method: clinical testing. Allele origin: germline.
Comment: In summary, the currently available evidence indicates that the variant is pathogenic, but additional data are needed to prove that conclusively. Therefore, this variant has been classified as Likely Pathogenic. Algorithms developed to predict the effect of sequence changes on RNA splicing suggest that this variant may disrupt the consensus splice site. This variant has not been reported in the literature in individuals affected with PTS-related conditions. This variant is present in population databases (rs759363496, ExAC 0.001%). This sequence change affects a donor splice site in intron 4 of the PTS gene. It is expected to disrupt RNA splicing. Variants that disrupt the donor or acceptor splice site typically lead to a loss of protein function (PMID: 16199547), and loss-of-function variants in PTS are known to be pathogenic (PMID: 3297709, 16917893).

Literature cited by the submitters: PubMed 16199547; PubMed 3297709; PubMed 16917893.